The following is an entry in ClinVar:

ClinVar aggregate classification (germline): Uncertain significance. Review status: criteria provided, multiple submitters, no conflicts (2 of 4 stars). 2 submissions from 2 submitters: Uncertain significance (2). Last evaluated 2025-03-08.

Allele frequency attached by ClinVar (database versions not stated): 1000 Genomes Project 30x 0.00016; 1000 Genomes Project 0.00020.
gnomAD v4.1: 182 of 1,607,418 alleles (0.011%); highest among the groups gnomAD compares: Middle Eastern, 0.017%; no homozygotes.

Submissions (2):

Ambry Genetics
Classification: Uncertain significance. Last evaluated: 2025-03-08. Review status: criteria provided, single submitter. Criteria: Ambry Variant Classification Scheme 2023. Collection method: clinical testing. Allele origin: germline.

Labcorp Genetics (formerly Invitae), Labcorp
Classification: Uncertain significance. Last evaluated: 2025-02-20. Review status: criteria provided, single submitter. Criteria: Invitae Variant Classification Sherloc (09022015). Collection method: clinical testing. Allele origin: germline.
Comment: This sequence change replaces arginine, which is basic and polar, with cysteine, which is neutral and slightly polar, at codon 267 of the PCK2 protein (p.Arg267Cys). This variant is present in population databases (rs202246749, gnomAD 0.02%). This variant has not been reported in the literature in individuals affected with PCK2-related conditions. ClinVar contains an entry for this variant (Variation ID: 2180843). Invitae Evidence Modeling of protein sequence and biophysical properties (such as structural, functional, and spatial information, amino acid conservation, physicochemical variation, residue mobility, and thermodynamic stability) indicates that this missense variant is expected to disrupt PCK2 protein function with a positive predictive value of 80%. In summary, the available evidence is currently insufficient to determine the role of this variant in disease. Therefore, it has been classified as a Variant of Uncertain Significance.

NM_004563.4(PCK2):c.799C>T (p.Arg267Cys)

Genes: NRL (neural retina leucine zipper; minus strand), PCK2 (phosphoenolpyruvate carboxykinase 2, mitochondrial; plus strand). Cytogenetic location: 14q11.2.
Variant type: single nucleotide variant.
Coding change: c.799C>T on transcript NM_004563.4 (MANE Select); coding-DNA position 799, C replaced by T.
Protein change: p.Arg267Cys; replaces arginine 267 with cysteine.
Molecular consequence: missense variant. On other transcripts: intron variant (3).
Genome position (GRCh38, 1-based): chr14:24,099,183, C>T. VCF-style: chr14-24099183-C-T. GRCh37 (hg19) VCF-style: chr14-24568392-C-T.
Other names: c.799C>T, p.Arg267Cys (NM_001018073.3); c.397C>T, p.Arg133Cys (NM_001291556.2, NM_001308054.2); c.-28+15539G>A (NM_001354768.3, NM_001354770.2); c.-253-14438G>A (NM_006177.5); short protein forms R267C, R133C.
Identifiers: ClinVar variation 2180843 (VCV002180843.6), dbSNP rs202246749, ClinGen allele CA7123228.